The following is an entry in ClinVar:

NM_177438.3(DICER1):c.4695_4700del (p.Leu1566_Leu1567del)

Gene: DICER1 (dicer 1, ribonuclease III; minus strand). Cytogenetic location: 14q32.13.
Variant type: Deletion.
Coding change: c.4695_4700del on transcript NM_177438.3 (MANE Select); coding-DNA positions 4695 to 4700, 6 bases deleted (CCTGCT; older notation c.4695_4700delCCTGCT).
Protein change: p.Leu1566_Leu1567del.
Molecular consequence: inframe deletion.
Genome position (GRCh38, 1-based): chr14:95,096,220-95,096,225, AGCAGG deleted on the plus strand (CCTGCT on the coding strand, the reverse complement: DICER1 is on the minus strand). VCF-style (leftmost placement, unchanged base first): chr14-95096219-CAGCAGG-C. GRCh37 (hg19) VCF-style: chr14-95562556-CAGCAGG-C.
Other names: c.4695_4700del, p.Leu1566_Leu1567del (NM_030621.4, NM_001195573.1, NM_001271282.3 and 1 more transcripts); c.4695_4700del6 (NM_030621.4).
Identifiers: ClinVar variation 690478 (VCV000690478.4), dbSNP rs1595340068, ClinGen allele CA658655502.

ClinVar aggregate classification (germline): Uncertain significance. Review status: criteria provided, multiple submitters, no conflicts (2 of 4 stars). 2 submissions from 2 submitters: Uncertain significance (2). Last evaluated 2025-09-07.

Conditions:
DICER1-related tumor predisposition. Also called: DICER1-related pleuropulmonary blastoma cancer predisposition syndrome; DICER1 syndrome. Identifiers: Orphanet 284343, MedGen C3839822, MONDO:0100216.

Submissions (2):

Labcorp Genetics (formerly Invitae), Labcorp
Classification: Uncertain significance for DICER1-related tumor predisposition. Last evaluated: 2025-09-07. Review status: criteria provided, single submitter. Criteria: Invitae Variant Classification Sherloc (09022015). Collection method: clinical testing. Allele origin: germline.
Comment: This variant, c.4695_4700del, results in the deletion of 2 amino acid(s) of the DICER1 protein (p.Leu1566_Leu1567del), but otherwise preserves the integrity of the reading frame. This variant is not present in population databases (gnomAD no frequency). This variant has been observed in individual(s) with DICER1 syndrome (internal data). ClinVar contains an entry for this variant (Variation ID: 690478). Experimental studies and prediction algorithms are not available or were not evaluated, and the functional significance of this variant is currently unknown. In summary, the available evidence is currently insufficient to determine the role of this variant in disease. Therefore, it has been classified as a Variant of Uncertain Significance.

PreventionGenetics, part of Exact Sciences
Classification: Uncertain significance. Last evaluated: 2017-12-19. Review status: criteria provided, single submitter. Criteria: ACMG Guidelines, 2015. Collection method: clinical testing. Allele origin: germline.